The following is an entry in ClinVar:

NM_000512.5(GALNS):c.562G>A (p.Gly188Ser)

Gene: GALNS (galactosamine (N-acetyl)-6-sulfatase; minus strand). Cytogenetic location: 16q24.3.
Variant type: single nucleotide variant.
Coding change: c.562G>A on transcript NM_000512.5 (MANE Select); coding-DNA position 562, G replaced by A.
Protein change: p.Gly188Ser; replaces glycine 188 with serine.
Molecular consequence: missense variant.
Genome position (GRCh38, 1-based): chr16:88,837,626, C>T on the plus strand (G>A on the coding strand, the complement: GALNS is on the minus strand). VCF-style: chr16-88837626-C-T. GRCh37 (hg19) VCF-style: chr16-88904034-C-T.
Other names: c.7G>A, p.Gly3Ser (NM_001323543.2); c.580G>A, p.Gly194Ser (NM_001323544.2); short protein forms G188S, G194S, G3S.
Identifiers: ClinVar variation 1048406 (VCV001048406.10), dbSNP rs2143002317, ClinGen allele CA397082680.

ClinVar aggregate classification (germline): Conflicting classifications of pathogenicity. Review status: criteria provided, conflicting classifications (1 of 4 stars). 3 submissions from 3 submitters: Pathogenic (1); Likely pathogenic (1); Uncertain significance (1). Last evaluated 2023-03-02.

Conditions:
Mucopolysaccharidosis, MPS-IV-A (MPS4A). Also called: Mucopolysaccharidosis type IV A; Mucopolysaccharidosis Type IVA; Morquio syndrome A, mild; MORQUIO SYNDROME A; MPS IVA; mucopolysaccharidosis type 4A. Identifiers: Orphanet 309297, Orphanet 582, MedGen C0086651, MONDO:0009659, OMIM 253000.

Submissions (3):

Labcorp Genetics (formerly Invitae), Labcorp
Classification: Pathogenic for Mucopolysaccharidosis, MPS-IV-A. Last evaluated: 2023-03-02. Review status: criteria provided, single submitter. Criteria: Invitae Variant Classification Sherloc (09022015). Collection method: clinical testing. Allele origin: germline.
Comment: This sequence change replaces glycine, which is neutral and non-polar, with serine, which is neutral and polar, at codon 188 of the GALNS protein (p.Gly188Ser). This variant is not present in population databases (gnomAD no frequency). This missense change has been observed in individual(s) with Clinical features of Mucopolysaccharidosis type IVA (PMID: 25252036). ClinVar contains an entry for this variant (Variation ID: 1048406). Advanced modeling of protein sequence and biophysical properties (such as structural, functional, and spatial information, amino acid conservation, physicochemical variation, residue mobility, and thermodynamic stability) performed at Invitae indicates that this missense variant is expected to disrupt GALNS protein function. For these reasons, this variant has been classified as Pathogenic.

Laboratory of Diagnosis and Therapy of Lysosomal Disorders, University of Padova
Classification: Uncertain significance for Mucopolysaccharidosis, MPS-IV-A. Last evaluated: 2021-02-01. Review status: criteria provided, single submitter. Criteria: ACMG Guidelines, 2015. Collection method: curation. Allele origin: germline. Affected: yes.
Comment: In vivo functional studies supportive of a damaging effect on the gene product (low to null enzymatic activity in homozygotes; PS3_supporting); absent from gnomAD v2.1.1 (PM2_moderate); multiple lines of computational evidence support a deleterious effect on the gene (PP3_supporting)

Kasturba Medical College, Manipal, Kasturba Medical College, Manipal, Manipal Academy of Higher Education, Manipal, India
Classification: Likely pathogenic for Mucopolysaccharidosis, MPS-IV-A. Review status: criteria provided, single submitter. Criteria: ACMG Guidelines, 2015. Collection method: clinical testing. Allele origin: germline. Affected: yes.

Literature cited by the submitters: PubMed 25252036 (cited by Labcorp Genetics (formerly Invitae), Labcorp and Laboratory of Diagnosis and Therapy of Lysosomal Disorders, University of Padova); PubMed 34387910 (cited by Laboratory of Diagnosis and Therapy of Lysosomal Disorders, University of Padova).